The following is an entry in ClinVar:

ClinVar aggregate classification (germline): Uncertain significance (1 of 4 stars; one submission).

gnomAD v4.1: 1 of 1,591,666 alleles (0.000063%); highest among the groups gnomAD compares: Admixed American, 0.0017%; no homozygotes.

Submission:

Labcorp Genetics (formerly Invitae), Labcorp
Classification: Uncertain significance. Last evaluated: 2023-12-30. Review status: criteria provided, single submitter. Criteria: Invitae Variant Classification Sherloc (09022015). Collection method: clinical testing. Allele origin: germline.
Comment: This sequence change replaces threonine, which is neutral and polar, with lysine, which is basic and polar, at codon 409 of the FNIP1 protein (p.Thr409Lys). This variant is not present in population databases (gnomAD no frequency). This variant has not been reported in the literature in individuals affected with FNIP1-related conditions. An algorithm developed to predict the effect of missense changes on protein structure and function (PolyPhen-2) suggests that this variant is likely to be disruptive. In summary, the available evidence is currently insufficient to determine the role of this variant in disease. Therefore, it has been classified as a Variant of Uncertain Significance.

NM_133372.3(FNIP1):c.1226C>A (p.Thr409Lys)

Gene: FNIP1 (folliculin interacting protein 1; minus strand). Cytogenetic location: 5q31.1.
Variant type: single nucleotide variant.
Coding change: c.1226C>A on transcript NM_133372.3 (MANE Select); coding-DNA position 1226, C replaced by A.
Protein change: p.Thr409Lys; replaces threonine 409 with lysine.
Molecular consequence: missense variant.
Genome position (GRCh38, 1-based): chr5:131,679,152, G>T on the plus strand (C>A on the coding strand, the complement: FNIP1 is on the minus strand). VCF-style: chr5-131679152-G-T. GRCh37 (hg19) VCF-style: chr5-131014845-G-T.
Other names: c.1142C>A, p.Thr381Lys (NM_001008738.3); c.1226C>A, p.Thr409Lys (NM_001346113.2); c.1091C>A, p.Thr364Lys (NM_001346114.2); short protein forms T381K, T364K, T409K.
Identifiers: ClinVar variation 2779318 (VCV002779318.3), dbSNP rs79530464, ClinGen allele CA360797410.